The following is an entry in ClinVar:

ClinVar aggregate classification (germline): Uncertain significance (1 of 4 stars; one submission).

Conditions:
KIF11-related disorder. Also called: KIF11-related condition.

Allele frequency attached by ClinVar (database versions not stated): gnomAD exomes below 0.00001; TOPMed below 0.00001; gnomAD 0.00001; ExAC 0.00002; 1000 Genomes Project 0.00020; 1000 Genomes Project 30x 0.00047.
gnomAD v4.1: 5 of 1,608,482 alleles (0.00031%); highest among the groups gnomAD compares: South Asian, 0.0034%; no homozygotes.

Submission:

PreventionGenetics, part of Exact Sciences
Classification: Uncertain significance for KIF11-related condition. Last evaluated: 2026-01-27. Review status: criteria provided, single submitter. Criteria: ACMG Guidelines, 2015. Collection method: clinical testing. Allele origin: germline.
Comment: The KIF11 c.118A>G variant is predicted to result in the amino acid substitution p.Ile40Val. To our knowledge, this variant has not been reported in the literature. This variant is present in 0.0055% of alleles in individuals of East Asian descent in gnomAD. At this time, the clinical significance of this variant is uncertain due to the absence of conclusive functional and genetic evidence.

NM_004523.4(KIF11):c.118A>G (p.Ile40Val)

Gene: KIF11 (kinesin family member 11; plus strand). Cytogenetic location: 10q23.33.
Variant type: single nucleotide variant.
Coding change: c.118A>G on transcript NM_004523.4 (MANE Select); coding-DNA position 118, A replaced by G.
Protein change: p.Ile40Val; replaces isoleucine 40 with valine.
Molecular consequence: missense variant.
Genome position (GRCh38, 1-based): chr10:92,606,305, A>G. VCF-style: chr10-92606305-A-G. GRCh37 (hg19) VCF-style: chr10-94366062-A-G.
Other names: short protein forms I40V.
Identifiers: ClinVar variation 2631901 (VCV002631901.2), dbSNP rs561133245, ClinGen allele CA5603911.